The following is an entry in ClinVar:

NM_001164508.2(NEB):c.22287_22292delinsCGAT (p.Lys7429fs)

Genes: NEB (nebulin; minus strand), RIF1 (replication timing regulatory factor 1; plus strand). Cytogenetic location: 2q23.3.
Variant type: Indel.
Coding change: c.22287_22292delinsCGAT on transcript NM_001164508.2 (MANE Select); coding-DNA positions 22287 to 22292, AGATGC replaced by CGAT.
Protein change: p.Lys7429fs; shifts the reading frame from lysine 7429.
Molecular consequence: frameshift variant.
Genome position (GRCh38, 1-based): chr2:151,524,597-151,524,602, GCATCT replaced by ATCG on the plus strand (AGATGC replaced by CGAT on the coding strand, the reverse complement: NEB is on the minus strand). VCF-style: chr2-151524597-GCATCT-ATCG. GRCh37 (hg19) VCF-style: chr2-152381111-GCATCT-ATCG.
Other names: c.22287_22292delinsCGAT, p.Lys7429fs (NM_001164507.2); c.22392_22397delinsCGAT, p.Lys7464fs (NM_001271208.2); c.17184_17189delinsCGAT, p.Lys5728fs (NM_004543.5); short protein forms K5728fs, K7429fs, K7464fs.
Identifiers: ClinVar variation 1724754 (VCV001724754.2), dbSNP rs2552108787, ClinGen allele CA2580063990.

ClinVar aggregate classification (germline): Likely pathogenic (1 of 4 stars; one submission).

Conditions:
Nemaline myopathy 2 (NEM2). Also called: Nemaline myopathy 2, autosomal recessive. Identifiers: MedGen C1850569, MONDO:0009725, OMIM 256030.

Submission:

Myriad Genetics, Inc.
Classification: Likely pathogenic for Nemaline myopathy 2. Last evaluated: 2022-02-25. Review status: criteria provided, single submitter. Criteria: Myriad Women's Health Autosomal Recessive and X-Linked Classification Criteria (2021). Collection method: clinical testing. Allele origin: unknown.
Comment: NM_001271208.1(NEB):c.22392_22397del6ins4(K7464Nfs*13) is expected to be pathogenic in the context of NEB-related nemaline myopathy. This variant is predicted to lead to an abnormal or absent protein product due to the creation of a premature termination codon in NEB, a gene where loss-of-function variants are known to be pathogenic. Please note: this variant was assessed in the context of healthy population screening.